The following is an entry in ClinVar:

NM_000135.4(FANCA):c.1594G>A (p.Glu532Lys)

Gene: FANCA (FA complementation group A; minus strand). Cytogenetic location: 16q24.3.
Variant type: single nucleotide variant.
Coding change: c.1594G>A on transcript NM_000135.4 (MANE Select); coding-DNA position 1594, G replaced by A.
Protein change: p.Glu532Lys; replaces glutamic acid 532 with lysine.
Molecular consequence: missense variant.
Genome position (GRCh38, 1-based): chr16:89,782,891, C>T on the plus strand (G>A on the coding strand, the complement: FANCA is on the minus strand). VCF-style: chr16-89782891-C-T. GRCh37 (hg19) VCF-style: chr16-89849299-C-T.
Other names: c.1594G>A, p.Glu532Lys (NM_001286167.3); short protein forms E532K.
Identifiers: ClinVar variation 4022086 (VCV004022086.1).

ClinVar aggregate classification (germline): Uncertain significance (1 of 4 stars; one submission).

Conditions:
Inborn genetic diseases. Identifiers: MedGen C0950123, MeSH D030342.

gnomAD v4.1: 10 of 1,613,980 alleles (0.00062%); highest among the groups gnomAD compares: East Asian, 0.0045%; no homozygotes.

Submission:

Ambry Genetics
Classification: Uncertain significance for Inborn genetic diseases. Last evaluated: 2025-03-16. Review status: criteria provided, single submitter. Criteria: Ambry Variant Classification Scheme 2023. Collection method: clinical testing. Allele origin: germline.
Comment: The p.E532K variant (also known as c.1594G>A), located in coding exon 17 of the FANCA gene, results from a G to A substitution at nucleotide position 1594. The glutamic acid at codon 532 is replaced by lysine, an amino acid with similar properties. This amino acid position is conserved. In addition, the in silico prediction for this alteration is inconclusive. Based on the available evidence, the clinical significance of this variant remains unclear.